The following is an entry in ClinVar:

ClinVar aggregate classification (germline): Pathogenic (1 of 4 stars; one submission).

Submission:

Labcorp Genetics (formerly Invitae), Labcorp
Classification: Pathogenic. Last evaluated: 2019-07-15. Review status: criteria provided, single submitter. Criteria: Invitae Variant Classification Sherloc (09022015). Collection method: clinical testing. Allele origin: germline.
Comment: For these reasons, this variant has been classified as Pathogenic. Loss-of-function variants in NOBOX are known to be pathogenic (PMID: 15326356, 21837770). This variant has not been reported in the literature in individuals with NOBOX-related disease. The frequency data for this variant in the population databases is considered unreliable, as metrics indicate poor data quality at this position in the ExAC database. This sequence change creates a premature translational stop signal (p.Pro441Hisfs*25) in the NOBOX gene. It is expected to result in an absent or disrupted protein product.

Literature cited by the submitters: PubMed 15326356; PubMed 21837770.

NM_001436401.1(NOBOX):c.971del (p.Pro324fs)

Gene: NOBOX (NOBOX oogenesis homeobox; minus strand). Cytogenetic location: 7q35.
Variant type: Deletion.
Coding change: c.971del on transcript NM_001436401.1 (MANE Select); coding-DNA position 971, one base deleted (C; older notation c.971delC).
Protein change: p.Pro324fs; shifts the reading frame from proline 324.
Molecular consequence: frameshift variant.
Genome position (GRCh38, 1-based): chr7:144,399,097, G deleted on the plus strand (C on the coding strand, the reverse complement: NOBOX is on the minus strand); the first of 7 consecutive G bases (chr7:144,399,097-144,399,103); deleting any one gives the same sequence. VCF-style (leftmost placement, unchanged base first): chr7-144399096-TG-T. GRCh37 (hg19) VCF-style: chr7-144096189-TG-T.
Other names: NM_001080413.3:c.1322del; c.419del, p.Pro140fs (NM_001436402.1); short protein forms P140fs, P324fs.
Identifiers: ClinVar variation 957395 (VCV000957395.9), dbSNP rs753934412, ClinGen allele CA4544589.